The following is an entry in ClinVar:

ClinVar aggregate classification (germline): Uncertain significance (1 of 4 stars; one submission).

Conditions:
Fanconi anemia (FA). Also called: Fanconi's anemia. Identifiers: Orphanet 84, MedGen C0015625, MeSH D005199, MONDO:0019391.

Submission:

Labcorp Genetics (formerly Invitae), Labcorp
Classification: Uncertain significance for Fanconi anemia. Last evaluated: 2022-05-19. Review status: criteria provided, single submitter. Criteria: Invitae Variant Classification Sherloc (09022015). Collection method: clinical testing. Allele origin: germline.
Comment: This sequence change replaces serine, which is neutral and polar, with arginine, which is basic and polar, at codon 1383 of the FANCA protein (p.Ser1383Arg). This variant is not present in population databases (gnomAD no frequency). This variant has not been reported in the literature in individuals affected with FANCA-related conditions. Advanced modeling of protein sequence and biophysical properties (such as structural, functional, and spatial information, amino acid conservation, physicochemical variation, residue mobility, and thermodynamic stability) performed at Invitae indicates that this missense variant is not expected to disrupt FANCA protein function. In summary, the available evidence is currently insufficient to determine the role of this variant in disease. Therefore, it has been classified as a Variant of Uncertain Significance.

NM_000135.4(FANCA):c.4149C>G (p.Ser1383Arg)

Genes: FANCA (FA complementation group A; minus strand), ZNF276 (zinc finger protein 276; plus strand). Cytogenetic location: 16q24.3.
Variant type: single nucleotide variant.
Coding change: c.4149C>G on transcript NM_000135.4 (MANE Select); coding-DNA position 4149, C replaced by G.
Protein change: p.Ser1383Arg; replaces serine 1383 with arginine.
Molecular consequence: missense variant. On other transcripts: 3 prime UTR variant (2), non-coding transcript variant (4).
Genome position (GRCh38, 1-based): chr16:89,739,151, G>C on the plus strand (C>G on the coding strand, the complement: FANCA is on the minus strand). VCF-style: chr16-89739151-G-C. GRCh37 (hg19) VCF-style: chr16-89805559-G-C.
Other names: c.4149C>G, p.Ser1383Arg (NM_001286167.3); c.*905G>C (NM_001113525.2, NM_152287.4); short protein forms S1383R.
Identifiers: ClinVar variation 2084285 (VCV002084285.1), dbSNP rs2151711619, ClinGen allele CA397484289.
Genomic context (GRCh38, chr16:89,739,151, plus strand): 5'-GGGGGGAGCTCCCCTGGAGGTGGGACTGGCCCTTGCACCTGCCTGACCCTTGAGCTCCAG[G>C]CTCCTGCCAGCTGGAGGTGAAACTGTGCTTGTATCCCCAGCCACGAAGAGCTGGACCAGC-3'
Protein context (NP_000126.2, residues 1373-1393): TSTVSPPAGR[Ser1383Arg]LELKGQGNPV